The following is an entry in ClinVar:

NM_002087.4(GRN):c.1736G>A (p.Arg579His)

Gene: GRN (granulin precursor; plus strand). Cytogenetic location: 17q21.31.
Variant type: single nucleotide variant.
Coding change: c.1736G>A on transcript NM_002087.4 (MANE Select); coding-DNA position 1736, G replaced by A.
Protein change: p.Arg579His; replaces arginine 579 with histidine.
Molecular consequence: missense variant.
Genome position (GRCh38, 1-based): chr17:44,352,752, G>A. VCF-style: chr17-44352752-G-A. GRCh37 (hg19) VCF-style: chr17-42430120-G-A.
Other names: short protein forms R579H.
Identifiers: ClinVar variation 589817 (VCV000589817.15), dbSNP rs373138049, ClinGen allele CA290927365.
Genomic context (GRCh38, chr17:44,352,752, plus strand): 5'-GTCCTGCTGGCTTCCGCTGCGCAGCCAGGGGTACCAAGTGTTTGCGCAGGGAGGCCCCGC[G>A]CTGGGACGCCCCTTTGAGGGACCCAGCCTTGAGACAGCTGCTGTGAGGGACAGTACTGAA-3'
Protein context (NP_002078.1, residues 569-589): GTKCLRREAP[Arg579His]WDAPLRDPAL

ClinVar aggregate classification (germline): Uncertain significance. Review status: criteria provided, multiple submitters, no conflicts (2 of 4 stars). 3 submissions from 3 submitters: Uncertain significance (3). Last evaluated 2025-08-13.

Conditions:
Inborn genetic diseases. Identifiers: MedGen C0950123, MeSH D030342.
Neuronal ceroid lipofuscinosis 11. Also called: GRN-Related Neuronal Ceroid-Lipofuscinosis. Identifiers: Orphanet 314629, Orphanet 79262, MedGen C3539123, MONDO:0013866, OMIM 614706.
GRN-related frontotemporal lobar degeneration with Tdp43 inclusions (FTD2). Also called: GRN Frontotemporal Dementia; FRONTOTEMPORAL DEMENTIA WITH TDP43 INCLUSIONS, GRN-RELATED; DEMENTIA, HEREDITARY DYSPHASIC DISINHIBITION; FRONTOTEMPORAL LOBAR DEGENERATION WITH UBIQUITIN-POSITIVE INCLUSIONS; FTLD-TDP, GRN-RELATED. Identifiers: Orphanet 100070, Orphanet 282, MedGen C1843792, MONDO:0011842, OMIM 607485. Disease mechanism: loss of function.

Allele frequency attached by ClinVar (database versions not stated): gnomAD exomes 0.00001; TOPMed 0.00002; ESP Exome Variant Server 0.00008.
gnomAD v4.1: 51 of 1,611,610 alleles (0.0032%); highest among the groups gnomAD compares: Non-Finnish European, 0.004%; no homozygotes.

Submissions (3):

Labcorp Genetics (formerly Invitae), Labcorp
Classification: Uncertain significance for Neuronal ceroid lipofuscinosis 11; GRN-related frontotemporal lobar degeneration with Tdp43 inclusions. Last evaluated: 2025-08-13. Review status: criteria provided, single submitter. Criteria: Invitae Variant Classification Sherloc (09022015). Collection method: clinical testing. Allele origin: germline.
Comment: This sequence change replaces arginine, which is basic and polar, with histidine, which is basic and polar, at codon 579 of the GRN protein (p.Arg579His). The frequency data for this variant in the population databases is considered unreliable, as metrics indicate poor data quality at this position in the gnomAD database. This variant has not been reported in the literature in individuals affected with GRN-related conditions. ClinVar contains an entry for this variant (Variation ID: 589817). An algorithm developed to predict the effect of missense changes on protein structure and function outputs the following: PolyPhen-2: "Benign". The histidine amino acid residue is found in multiple mammalian species, which suggests that this missense change does not adversely affect protein function. In summary, the available evidence is currently insufficient to determine the role of this variant in disease. Therefore, it has been classified as a Variant of Uncertain Significance.

Women's Health and Genetics/Laboratory Corporation of America, LabCorp
Classification: Uncertain significance. Last evaluated: 2024-10-09. Review status: criteria provided, single submitter. Criteria: LabCorp Variant Classification Summary - May 2015. Collection method: clinical testing. Allele origin: germline.
Comment: Variant summary: GRN c.1736G>A (p.Arg579His) results in a non-conservative amino acid change in the encoded protein sequence. Four of five in-silico tools predict a benign effect of the variant on protein function. The variant allele was found at a frequency of 8e-06 in 248816 control chromosomes. The available data on variant occurrences in the general population are insufficient to allow any conclusion about variant significance. To our knowledge, no occurrence of c.1736G>A in individuals affected with GRN-Related Disorders and no experimental evidence demonstrating its impact on protein function have been reported. ClinVar contains an entry for this variant (Variation ID: 589817). Based on the evidence outlined above, the variant was classified as uncertain significance.

Ambry Genetics
Classification: Uncertain significance for Inborn genetic diseases. Last evaluated: 2023-10-25. Review status: criteria provided, single submitter. Criteria: Ambry Variant Classification Scheme 2023. Collection method: clinical testing. Allele origin: germline.